The following is an entry in ClinVar:

NM_003072.5(SMARCA4):c.2110C>T (p.Arg704Trp)

Gene: SMARCA4 (SWI/SNF related BAF chromatin remodeling complex subunit ATPase 4; plus strand). Cytogenetic location: 19p13.2.
Variant type: single nucleotide variant.
Coding change: c.2110C>T on transcript NM_003072.5 (MANE Select); coding-DNA position 2110, C replaced by T.
Protein change: p.Arg704Trp; replaces arginine 704 with tryptophan.
Molecular consequence: missense variant. On other transcripts: non-coding transcript variant (1).
Genome position (GRCh38, 1-based): chr19:11,008,010, C>T. VCF-style: chr19-11008010-C-T. GRCh37 (hg19) VCF-style: chr19-11118686-C-T.
Other names: c.2110C>T, p.Arg704Trp (NM_001128844.3, NM_001128845.2, NM_001128846.2 and 5 more transcripts); short protein forms R704W.
Identifiers: ClinVar variation 408645 (VCV000408645.20), dbSNP rs781539973, ClinGen allele CA16615957.

ClinVar aggregate classification (germline): Conflicting classifications of pathogenicity. Review status: criteria provided, conflicting classifications (1 of 4 stars). 6 submissions from 6 submitters: Uncertain significance (5); Likely benign (1). Last evaluated 2026-07-07.

Conditions:
Intellectual disability, autosomal dominant 16 (CSS4). Also called: COFFIN-SIRIS SYNDROME 4. Identifiers: Orphanet 1465, MedGen C3553249, MONDO:0013821, OMIM 614609.
Rhabdoid tumor predisposition syndrome 2 (RTPS2). Identifiers: Orphanet 231108, Orphanet 69077, MedGen C2750074, MONDO:0013224, OMIM 613325.
Hereditary cancer-predisposing syndrome. Also called: Hereditary Cancer Syndrome; Hereditary neoplastic syndrome; Neoplastic Syndromes, Hereditary; Tumor predisposition. Identifiers: Orphanet 140162, MedGen C0027672, MeSH D009386, MONDO:0015356.

Allele frequency attached by ClinVar (database versions not stated): gnomAD exomes 0.00001; gnomAD 0.00001; TOPMed 0.00001.

Submissions (6):

Myriad Genetics, Inc.
Classification: Likely benign for Rhabdoid tumor predisposition syndrome 2. Last evaluated: 2026-07-07. Review status: criteria provided, single submitter. Criteria: Myriad Autosomal Dominant, Autosomal Recessive and X-Linked Classification Criteria (2023). Collection method: clinical testing. Allele origin: unknown.
Comment: This variant is considered likely benign. This variant has been observed at a population frequency that is significantly greater than expected given the associated disease prevalence and penetrance.

Labcorp Genetics (formerly Invitae), Labcorp
Classification: Uncertain significance for Rhabdoid tumor predisposition syndrome 2. Last evaluated: 2026-01-07. Review status: criteria provided, single submitter. Criteria: Invitae Variant Classification Sherloc (09022015). Collection method: clinical testing. Allele origin: germline.
Comment: This sequence change replaces arginine, which is basic and polar, with tryptophan, which is neutral and slightly polar, at codon 704 of the SMARCA4 protein (p.Arg704Trp). This variant is present in population databases (no rsID available, gnomAD 0.003%). This variant has not been reported in the literature in individuals affected with SMARCA4-related conditions. ClinVar contains an entry for this variant (Variation ID: 408645). Invitae Evidence Modeling of protein sequence and biophysical properties (such as structural, functional, and spatial information, amino acid conservation, physicochemical variation, residue mobility, and thermodynamic stability) has been performed for this missense variant. However, the output from this modeling did not meet the statistical confidence thresholds required to predict the impact of this variant on SMARCA4 protein function. In summary, the available evidence is currently insufficient to determine the role of this variant in disease. Therefore, it has been classified as a Variant of Uncertain Significance.

Quest Diagnostics Nichols Institute San Juan Capistrano
Classification: Uncertain significance. Last evaluated: 2025-01-30. Review status: criteria provided, single submitter. Criteria: Quest Diagnostics criteria. Collection method: clinical testing. Allele origin: unknown.
Comment: The SMARCA4 c.2110C>T (p.Arg704Trp) variant has not been reported in the germline of individuals affected with SMARCA4-related conditions in the published literature. The frequency of this variant in the general population (Genome Aggregation Database) is uninformative in the assessment of its pathogenicity. Analysis of this variant using bioinformatics tools for the prediction of the effect of amino acid changes on protein structure and function yielded conflicting predictions that this variant is benign or damaging. Based on the available information, we are unable to determine the clinical significance of this variant.

Ambry Genetics
Classification: Uncertain significance for Hereditary cancer-predisposing syndrome. Last evaluated: 2024-12-09. Review status: criteria provided, single submitter. Criteria: Ambry Variant Classification Scheme 2023. Collection method: clinical testing. Allele origin: germline.

Baylor Genetics
Classification: Uncertain significance for Rhabdoid tumor predisposition syndrome 2. Last evaluated: 2023-12-14. Review status: criteria provided, single submitter. Criteria: ACMG Guidelines, 2015. Collection method: clinical testing. Allele origin: unknown.

Genome-Nilou Lab
Classification: Uncertain significance for Intellectual disability, autosomal dominant 16. Last evaluated: 2021-07-15. Review status: criteria provided, single submitter. Criteria: ACMG Guidelines, 2015. Collection method: clinical testing. Allele origin: germline. Affected: no.

Literature cited by the submitters: PubMed 33144586 (cited by Quest Diagnostics Nichols Institute San Juan Capistrano); PubMed 33606809 (cited by Quest Diagnostics Nichols Institute San Juan Capistrano); PubMed 37084389 (cited by Quest Diagnostics Nichols Institute San Juan Capistrano).